The following is an entry in ClinVar:

NM_005896.4(IDH1):c.315C>T (p.Gly105=)

Gene: IDH1 (isocitrate dehydrogenase (NADP(+)) 1; minus strand). Cytogenetic location: 2q34.
Variant type: single nucleotide variant.
Coding change: c.315C>T on transcript NM_005896.4 (MANE Select); coding-DNA position 315, C replaced by T.
Protein change: p.Gly105=; no amino-acid change (glycine 105 retained).
Molecular consequence: synonymous variant.
Genome position (GRCh38, 1-based): chr2:208,248,468, G>A on the plus strand (C>T on the coding strand, the complement: IDH1 is on the minus strand). VCF-style: chr2-208248468-G-A. GRCh37 (hg19) VCF-style: chr2-209113192-G-A.
Other names: c.315C>T, p.Gly105= (NM_001282386.1, NM_001282387.1).
Identifiers: ClinVar variation 402961 (VCV000402961.9), dbSNP rs11554137, ClinGen allele CA2079054.

ClinVar aggregate classification (germline): Benign. Review status: criteria provided, multiple submitters, no conflicts (2 of 4 stars). 3 submissions from 3 submitters: Benign (3). Last evaluated 2021-06-09.

Allele frequency attached by ClinVar (database versions not stated): ExAC 0.05240; gnomAD exomes 0.05363 and 0.05057; 1000 Genomes Project 0.05691; gnomAD 0.06870 and 0.06688; TOPMed 0.06931; ESP Exome Variant Server 0.07104; 1000 Genomes Project 30x 0.05981.
gnomAD v4.1: 89,009 of 1,613,868 alleles (5.5%); highest among the groups gnomAD compares: African/African-American, 11%; 2,834 homozygotes.

Submissions (14):

GeneDx
Classification: Benign. Last evaluated: 2021-06-09. Review status: criteria provided, single submitter. Criteria: GeneDx Variant Classification Process June 2021. Collection method: clinical testing. Allele origin: germline. Affected: yes.

Laboratory for Molecular Medicine, Mass General Brigham Personalized Medicine
Classification: Benign. Last evaluated: 2016-03-29. Review status: criteria provided, single submitter. Criteria: LMM Criteria. Collection method: clinical testing. Allele origin: germline.
Comment: Variant identified in a genome or exome case(s) and assessed due to predicted null impact of the variant or pathogenic assertions in the literature or databases. Disclaimer: This variant has not undergone full assessment. The following are preliminary notes: Frequency

Breakthrough Genomics
Classification: Benign. Review status: criteria provided, single submitter. Criteria: ACMG Guidelines, 2015. Collection method: not provided. Allele origin: germline. Inheritance: Autosomal dominant inheritance. Affected: yes.

Dr. Peter K. Rogan Lab, Western University
No classification provided (evidence only). Condition: Colorectal cancer. Review status: no classification provided. Collection method: in vitro. Allele origin: not applicable. Functional consequence: retained intron. Not counted in ClinVar's aggregate classification.

Dr. Peter K. Rogan Lab, Western University
No classification provided (evidence only). Condition: Colorectal cancer. Review status: no classification provided. Collection method: in vitro. Allele origin: not applicable. Functional consequence: retained intron. Not counted in ClinVar's aggregate classification.

Dr. Peter K. Rogan Lab, Western University
No classification provided (evidence only). Condition: Colorectal cancer. Review status: no classification provided. Collection method: in vitro. Allele origin: not applicable. Functional consequence: retained intron. Not counted in ClinVar's aggregate classification.

Dr. Peter K. Rogan Lab, Western University
No classification provided (evidence only). Condition: Colorectal cancer. Review status: no classification provided. Collection method: in vitro. Allele origin: not applicable. Functional consequence: retained intron. Not counted in ClinVar's aggregate classification.

Dr. Peter K. Rogan Lab, Western University
No classification provided (evidence only). Condition: Colorectal cancer. Review status: no classification provided. Collection method: in vitro. Allele origin: not applicable. Functional consequence: retained intron. Not counted in ClinVar's aggregate classification.

Dr. Peter K. Rogan Lab, Western University
No classification provided (evidence only). Condition: Thymoma. Review status: no classification provided. Collection method: in vitro. Allele origin: not applicable. Functional consequence: retained intron. Not counted in ClinVar's aggregate classification.

Dr. Peter K. Rogan Lab, Western University
No classification provided (evidence only). Condition: Thymoma. Review status: no classification provided. Collection method: in vitro. Allele origin: not applicable. Functional consequence: retained intron. Not counted in ClinVar's aggregate classification.

Dr. Peter K. Rogan Lab, Western University
No classification provided (evidence only). Condition: Thymoma. Review status: no classification provided. Collection method: in vitro. Allele origin: not applicable. Functional consequence: retained intron. Not counted in ClinVar's aggregate classification.

Dr. Peter K. Rogan Lab, Western University
No classification provided (evidence only). Condition: Adrenocortical carcinoma, hereditary. Review status: no classification provided. Collection method: in vitro. Allele origin: not applicable. Functional consequence: retained intron. Not counted in ClinVar's aggregate classification.

Dr. Peter K. Rogan Lab, Western University
No classification provided (evidence only). Condition: Adrenocortical carcinoma, hereditary. Review status: no classification provided. Collection method: in vitro. Allele origin: not applicable. Functional consequence: retained intron. Not counted in ClinVar's aggregate classification.

Dr. Peter K. Rogan Lab, Western University
No classification provided (evidence only). Condition: Adrenocortical carcinoma, hereditary. Review status: no classification provided. Collection method: in vitro. Allele origin: not applicable. Functional consequence: retained intron. Not counted in ClinVar's aggregate classification.